The following is an entry in ClinVar:

ClinVar aggregate classification (germline): Uncertain significance (1 of 4 stars; one submission).

Conditions:
Postaxial polydactyly-anterior pituitary anomalies-facial dysmorphism syndrome. Also called: Culler-Jones syndrome. Identifiers: Orphanet 420584, MedGen C4014479, MONDO:0014369, OMIM 615849.
Holoprosencephaly 9 (HPE9). Also called: HOLOPROSENCEPHALY WITH MICROPHTHALMIA AND FIRST BRANCHIAL ARCH ANOMALIES; PITUITARY ANOMALIES WITH HOLOPROSENCEPHALY-LIKE FEATURES. Identifiers: Orphanet 2162, MedGen C1835819, MONDO:0012563, OMIM 610829.

Submission:

Labcorp Genetics (formerly Invitae), Labcorp
Classification: Uncertain significance for Postaxial polydactyly-anterior pituitary anomalies-facial dysmorphism syndrome; Holoprosencephaly 9. Last evaluated: 2024-06-12. Review status: criteria provided, single submitter. Criteria: Invitae Variant Classification Sherloc (09022015). Collection method: clinical testing. Allele origin: germline.
Comment: This sequence change replaces threonine, which is neutral and polar, with arginine, which is basic and polar, at codon 695 of the GLI2 protein (p.Thr695Arg). This variant is not present in population databases (gnomAD no frequency). This variant has not been reported in the literature in individuals affected with GLI2-related conditions. Advanced modeling of protein sequence and biophysical properties (such as structural, functional, and spatial information, amino acid conservation, physicochemical variation, residue mobility, and thermodynamic stability) performed at Invitae indicates that this missense variant is expected to disrupt GLI2 protein function with a positive predictive value of 80%. In summary, the available evidence is currently insufficient to determine the role of this variant in disease. Therefore, it has been classified as a Variant of Uncertain Significance.

NM_001374353.1(GLI2):c.2033C>G (p.Thr678Arg)

Gene: GLI2 (GLI family zinc finger 2; plus strand). Cytogenetic location: 2q14.2.
Variant type: single nucleotide variant.
Coding change: c.2033C>G on transcript NM_001374353.1 (MANE Select); coding-DNA position 2033, C replaced by G.
Protein change: p.Thr678Arg; replaces threonine 678 with arginine.
Molecular consequence: missense variant.
Genome position (GRCh38, 1-based): chr2:120,986,405, C>G. VCF-style: chr2-120986405-C-G. GRCh37 (hg19) VCF-style: chr2-121743981-C-G.
Other names: c.2084C>G, p.Thr695Arg (NM_001371271.1, NM_005270.5); c.1658C>G, p.Thr553Arg (NM_001374354.1); short protein forms T553R, T678R, T695R.
Identifiers: ClinVar variation 3756809 (VCV003756809.2).